The following is an entry in ClinVar:

NM_001211.6(BUB1B):c.559G>A (p.Glu187Lys)

Gene: BUB1B (BUB1 mitotic checkpoint serine/threonine kinase B; plus strand). Cytogenetic location: 15q15.1.
Variant type: single nucleotide variant.
Coding change: c.559G>A on transcript NM_001211.6 (MANE Select); coding-DNA position 559, G replaced by A.
Protein change: p.Glu187Lys; replaces glutamic acid 187 with lysine.
Molecular consequence: missense variant.
Genome position (GRCh38, 1-based): chr15:40,176,651, G>A. VCF-style: chr15-40176651-G-A. GRCh37 (hg19) VCF-style: chr15-40468852-G-A.
Other names: short protein forms E187K.
Identifiers: ClinVar variation 3826088 (VCV003826088.1).

ClinVar aggregate classification (germline): Uncertain significance (1 of 4 stars; one submission).

Conditions:
Inborn genetic diseases. Identifiers: MedGen C0950123, MeSH D030342.

Submission:

Ambry Genetics
Classification: Uncertain significance for Inborn genetic diseases. Last evaluated: 2025-01-06. Review status: criteria provided, single submitter. Criteria: Ambry Variant Classification Scheme 2023. Collection method: clinical testing. Allele origin: germline.
Comment: The p.E187K variant (also known as c.559G>A), located in coding exon 5 of the BUB1B gene, results from a G to A substitution at nucleotide position 559. The glutamic acid at codon 187 is replaced by lysine, an amino acid with similar properties. This amino acid position is conserved. In addition, this alteration is predicted to be tolerated by in silico analysis. Based on the available evidence, the clinical significance of this variant remains unclear.